The following is an entry in ClinVar:

NM_001394062.1(MACF1):c.20974C>G (p.Leu6992Val)

Gene: MACF1 (microtubule actin crosslinking factor 1; plus strand). Cytogenetic location: 1p34.3.
Variant type: single nucleotide variant.
Coding change: c.20974C>G on transcript NM_001394062.1 (MANE Select); coding-DNA position 20974, C replaced by G.
Protein change: p.Leu6992Val; replaces leucine 6992 with valine.
Molecular consequence: missense variant.
Genome position (GRCh38, 1-based): chr1:39,454,996, C>G. VCF-style: chr1-39454996-C-G. GRCh37 (hg19) VCF-style: chr1-39920668-C-G.
Other names: c.14797C>G, p.Leu4933Val (NM_012090.5); c.9052C>G, p.Leu3018Val (NM_001397473.1); short protein forms L3018V, L4933V, L6992V.
Identifiers: ClinVar variation 2576704 (VCV002576704.1), dbSNP rs202135814, ClinGen allele CA339766045.

ClinVar aggregate classification (germline): Uncertain significance (1 of 4 stars; one submission).

gnomAD v4.1: 2 of 1,614,026 alleles (0.00012%); highest among the groups gnomAD compares: Admixed American, 0.0017%; no homozygotes.

Submission:

GeneDx
Classification: Uncertain significance. Last evaluated: 2023-02-17. Review status: criteria provided, single submitter. Criteria: GeneDx Variant Classification Process June 2021. Collection method: clinical testing. Allele origin: germline. Affected: yes.
Comment: Not observed at significant frequency in large population cohorts (gnomAD); In silico analysis supports that this missense variant has a deleterious effect on protein structure/function; Has not been previously published as pathogenic or benign to our knowledge